The following is an entry in ClinVar:

ClinVar aggregate classification (germline): Uncertain significance (1 of 4 stars; one submission).

Conditions:
RECQL5-related disorder. Also called: RECQL5-related condition.

Allele frequency attached by ClinVar (database versions not stated): gnomAD 0.00005; TOPMed 0.00006; ExAC 0.00007; ESP Exome Variant Server 0.00017.
gnomAD v4.1: 87 of 1,512,070 alleles (0.0058%); highest among the groups gnomAD compares: South Asian, 0.016%; no homozygotes.

Submission:

PreventionGenetics, part of Exact Sciences
Classification: Uncertain significance for RECQL5-related condition. Last evaluated: 2023-05-17. Review status: criteria provided, single submitter. Criteria: ACMG Guidelines, 2015. Collection method: clinical testing. Allele origin: germline.
Comment: The RECQL5 c.2059C>T variant is predicted to result in the amino acid substitution p.Arg687Trp. To our knowledge, this variant has not been reported in the literature. This variant is reported in 0.0096% of alleles in individuals of European (Non-Finnish) descent in gnomAD. At this time, the clinical significance of this variant is uncertain due to the absence of conclusive functional and genetic evidence.

NM_004259.7(RECQL5):c.2059C>T (p.Arg687Trp)

Gene: RECQL5 (RecQ like helicase 5; minus strand). Cytogenetic location: 17q25.1.
Variant type: single nucleotide variant.
Coding change: c.2059C>T on transcript NM_004259.7 (MANE Select); coding-DNA position 2059, C replaced by T.
Protein change: p.Arg687Trp; replaces arginine 687 with tryptophan.
Molecular consequence: missense variant.
Genome position (GRCh38, 1-based): chr17:75,629,364, G>A on the plus strand (C>T on the coding strand, the complement: RECQL5 is on the minus strand). VCF-style: chr17-75629364-G-A. GRCh37 (hg19) VCF-style: chr17-73625444-G-A.
Other names: short protein forms R687W.
Identifiers: ClinVar variation 2635965 (VCV002635965.1), dbSNP rs373451755, ClinGen allele CA8767176.